The following is an entry in ClinVar:

ClinVar aggregate classification (germline): Uncertain significance. Review status: criteria provided, multiple submitters, no conflicts (2 of 4 stars). 3 submissions from 3 submitters: Uncertain significance (3). Last evaluated 2026-03-07.

Conditions:
Frontometaphyseal dysplasia (FMD1). Identifiers: Orphanet 1826, MedGen C0265293, MONDO:0015942.
Heterotopia, periventricular, X-linked dominant (PVNH1). Also called: PERIVENTRICULAR NODULAR HETEROTOPIA 1; PERIVENTRICULAR NODULAR HETEROTOPIA 4; HETEROTOPIA, PERIVENTRICULAR, 1; X-linked periventricular heterotopia. Identifiers: Orphanet 2149, Orphanet 82004, MedGen C1848213, MONDO:0010233, OMIM 300049.
Melnick-Needles syndrome (MNS). Also called: OSTEODYSPLASTY OF MELNICK AND NEEDLES; Melnick-Needles Syndrome (FLNA-MNS); MELNICK-NEEDLES OSTEODYSPLASTY. Identifiers: Orphanet 2484, MedGen C0025237, MONDO:0010650, OMIM 309350.
Oto-palato-digital syndrome, type II (OPD2). Also called: Otopalatodigital Syndrome Type 2 (FLNA-OPD2); FACIOPALATOOSSEOUS SYNDROME; OPD II SYNDROME; Otopalatodigital Syndrome, Type II. Identifiers: Orphanet 669, Orphanet 90652, MedGen C1844696, MONDO:0010571, OMIM 304120.
Ehlers-Danlos syndrome (EDS). Identifiers: Orphanet 98249, MedGen C0013720, MONDO:0020066.

Allele frequency attached by ClinVar (database versions not stated): gnomAD exomes 0.00001.
gnomAD v4.1: 10 of 1,212,046 alleles (0.00083%); highest among the groups gnomAD compares: Non-Finnish European, 0.0011%; no homozygotes.

Submissions (3):

GeneDx
Classification: Uncertain significance. Last evaluated: 2026-03-07. Review status: criteria provided, single submitter. Criteria: GeneDx Variant Classification Process June 2021. Collection method: clinical testing. Allele origin: germline.
Comment: Not observed at significant frequency in large population cohorts (gnomAD); In silico analysis supports that this missense variant has a deleterious effect on protein structure/function; Has not been previously published as pathogenic or benign to our knowledge

Labcorp Genetics (formerly Invitae), Labcorp
Classification: Uncertain significance for Oto-palato-digital syndrome, type II; Heterotopia, periventricular, X-linked dominant; Frontometaphyseal dysplasia; Melnick-Needles syndrome. Last evaluated: 2024-08-04. Review status: criteria provided, single submitter. Criteria: Invitae Variant Classification Sherloc (09022015). Collection method: clinical testing. Allele origin: germline.
Comment: This sequence change replaces valine, which is neutral and non-polar, with leucine, which is neutral and non-polar, at codon 2170 of the FLNA protein (p.Val2170Leu). This variant is not present in population databases (gnomAD no frequency). This variant has not been reported in the literature in individuals affected with FLNA-related conditions. ClinVar contains an entry for this variant (Variation ID: 625275). Advanced modeling of protein sequence and biophysical properties (such as structural, functional, and spatial information, amino acid conservation, physicochemical variation, residue mobility, and thermodynamic stability) performed at Invitae indicates that this missense variant is not expected to disrupt FLNA protein function with a negative predictive value of 95%. In summary, the available evidence is currently insufficient to determine the role of this variant in disease. Therefore, it has been classified as a Variant of Uncertain Significance.

Clinical Molecular Genetics Laboratory, Johns Hopkins All Children's Hospital
Classification: Uncertain significance for Ehlers-Danlos syndrome. Last evaluated: 2019-03-28. Review status: criteria provided, single submitter. Criteria: ACMG Guidelines, 2015. Collection method: clinical testing. Allele origin: germline. Inheritance: X-linked inheritance. Affected: yes. Observed: 1 hemizygote.

NM_001110556.2(FLNA):c.6532G>C (p.Val2178Leu)

Gene: FLNA (filamin A; minus strand). Cytogenetic location: Xq28.
Variant type: single nucleotide variant.
Coding change: c.6532G>C on transcript NM_001110556.2 (MANE Select); coding-DNA position 6532, G replaced by C.
Protein change: p.Val2178Leu; replaces valine 2178 with leucine.
Molecular consequence: missense variant.
Genome position (GRCh38, 1-based): chrX:154,352,418, C>G on the plus strand (G>C on the coding strand, the complement: FLNA is on the minus strand). VCF-style: chrX-154352418-C-G. GRCh37 (hg19) VCF-style: chrX-153580786-C-G.
Other names: c.6508G>C, p.Val2170Leu (NM_001456.4); c.6508G>C (NM_001456.3); short protein forms V2178L, V2170L.
Identifiers: ClinVar variation 625275 (VCV000625275.5), dbSNP rs1569551461, ClinGen allele CA415191365.